The following is an entry in ClinVar:

ClinVar aggregate classification (germline): Uncertain significance (1 of 4 stars; one submission).

Allele frequency attached by ClinVar (database versions not stated): gnomAD exomes below 0.00001; TOPMed below 0.00001.
gnomAD v4.1: 4 of 1,462,408 alleles (0.00027%); highest among the groups gnomAD compares: Non-Finnish European, 0.000091%; no homozygotes.

Submission:

Women's Health and Genetics/Laboratory Corporation of America, LabCorp
Classification: Uncertain significance. Last evaluated: 2024-02-26. Review status: criteria provided, single submitter. Criteria: LabCorp Variant Classification Summary - May 2015. Collection method: clinical testing. Allele origin: germline.
Comment: Variant summary: PCGF2 c.1001C>A (p.Thr334Asn) results in a non-conservative amino acid change in the encoded protein sequence. Three of five in-silico tools predict a benign effect of the variant on protein function. The variant was absent in 130138 control chromosomes (gnomAD). The available data on variant occurrences in the general population are insufficient to allow any conclusion about variant significance. To our knowledge, no occurrence of c.1001C>A in individuals affected with Turnpenny-Fry Syndrome and no experimental evidence demonstrating its impact on protein function have been reported. No submitters have cited clinical-significance assessments for this variant to ClinVar. Based on the evidence outlined above, the variant was classified as uncertain significance.

NM_007144.3(PCGF2):c.1001C>A (p.Thr334Asn)

Genes: CISD3 (CDGSH iron sulfur domain 3; plus strand), PCGF2 (polycomb group ring finger 2; minus strand). Cytogenetic location: 17q12.
Variant type: single nucleotide variant.
Coding change: c.1001C>A on transcript NM_007144.3 (MANE Select); coding-DNA position 1001, C replaced by A.
Protein change: p.Thr334Asn; replaces threonine 334 with asparagine.
Molecular consequence: missense variant. On other transcripts: 3 prime UTR variant (1).
Genome position (GRCh38, 1-based): chr17:38,735,257, G>T on the plus strand (C>A on the coding strand, the complement: PCGF2 is on the minus strand). VCF-style: chr17-38735257-G-T. GRCh37 (hg19) VCF-style: chr17-36891510-G-T.
Other names: c.*1802G>T (NM_001136498.2); c.1001C>A, p.Thr334Asn (NM_001369614.1, NM_001369615.1); short protein forms T334N.
Identifiers: ClinVar variation 3069065 (VCV003069065.2), dbSNP rs1906595190, ClinGen allele CA398819374.